The following is an entry in ClinVar:

ClinVar aggregate classification (germline): Benign (0 of 4 stars; one submission).

Conditions:
MYO7B-related disorder. Also called: MYO7B-related condition.

Allele frequency attached by ClinVar (database versions not stated): gnomAD exomes 0.00044; ExAC 0.00244; ESP Exome Variant Server 0.00407; gnomAD 0.00486; TOPMed 0.00549; 1000 Genomes Project 30x 0.00625; 1000 Genomes Project 0.00639.
gnomAD v4.1: 1,410 of 1,553,878 alleles (0.091%); highest among the groups gnomAD compares: African/African-American, 1.7%; 12 homozygotes.

Submission:

PreventionGenetics, part of Exact Sciences
Classification: Benign for MYO7B-related condition. Last evaluated: 2019-02-18. Review status: no assertion criteria provided. Collection method: clinical testing. Allele origin: germline.
Comment: This variant is classified as benign based on ACMG/AMP sequence variant interpretation guidelines (Richards et al. 2015 PMID: 25741868, with internal and published modifications).

NM_001393586.1(MYO7B):c.132+8T>C

Genes: MYO7B (myosin VIIB; plus strand), LOC105373609 (uncharacterized LOC105373609; minus strand). Cytogenetic location: 2q14.3.
Variant type: single nucleotide variant.
Coding change: c.132+8T>C on transcript NM_001393586.1 (MANE Select); 8 bases into the intron after coding-DNA position 132, T replaced by C.
Molecular consequence: intron variant.
Genome position (GRCh38, 1-based): chr2:127,564,274, T>C. VCF-style: chr2-127564274-T-C. GRCh37 (hg19) VCF-style: chr2-128321849-T-C.
Other names: c.132+8T>C (NM_001080527.2).
Identifiers: ClinVar variation 3035564 (VCV003035564.2), dbSNP rs139876338, ClinGen allele CA1860305.